The following is an entry in ClinVar:

ClinVar aggregate classification (germline): Pathogenic (1 of 4 stars; one submission).

Conditions:
Craniofrontonasal syndrome (CFNS). Also called: CRANIOFRONTONASAL DYSOSTOSIS. Identifiers: Orphanet 1520, MedGen C0220767, MONDO:0010570, OMIM 304110.

Submission:

Illumina Laboratory Services, Illumina
Classification: Pathogenic for Craniofrontonasal syndrome. Last evaluated: 2022-03-22. Review status: criteria provided, single submitter. Criteria: ICSLVariantClassificationCriteria RUGD 01 April 2020. Collection method: clinical testing. Allele origin: unknown.
Comment: The EFNB1 c.149T>A (p.Leu50Ter) variant results in the substitution of leucine at amino acid position 50 with a stop codon. Loss of normal protein function through either protein truncation or nonsense-mediated mRNA decay is expected. To our knowledge, this variant has not been reported in the peer-reviewed literature. This variant is not found in version 2.1.1 or version 3.1.2 of the Genome Aggregation Database. Based on the available evidence, the c.149T>A (p.Leu50Ter) variant is classified as pathogenic for craniofrontonasal syndrome.

NM_004429.5(EFNB1):c.149T>A (p.Leu50Ter)

Gene: EFNB1 (ephrin B1; plus strand). Cytogenetic location: Xq13.1.
Variant type: single nucleotide variant.
Coding change: c.149T>A on transcript NM_004429.5 (MANE Select); coding-DNA position 149, T replaced by A.
Protein change: p.Leu50Ter; replaces leucine 50 with a stop codon.
Molecular consequence: nonsense.
Genome position (GRCh38, 1-based): chrX:68,838,637, T>A. VCF-style: chrX-68838637-T-A. GRCh37 (hg19) VCF-style: chrX-68058480-T-A.
Other names: short protein forms L50*.
Identifiers: ClinVar variation 1803718 (VCV001803718.3), dbSNP rs2520012737, ClinGen allele CA413437297.